The following is an entry in ClinVar:

NM_022552.5(DNMT3A):c.1540T>G (p.Cys514Gly)

Gene: DNMT3A (DNA methyltransferase 3 alpha; minus strand). Cytogenetic location: 2p23.3.
Variant type: single nucleotide variant.
Coding change: c.1540T>G on transcript NM_022552.5 (MANE Select); coding-DNA position 1540, T replaced by G.
Protein change: p.Cys514Gly; replaces cysteine 514 with glycine.
Molecular consequence: missense variant. On other transcripts: non-coding transcript variant (1).
Genome position (GRCh38, 1-based): chr2:25,245,267, A>C on the plus strand (T>G on the coding strand, the complement: DNMT3A is on the minus strand). VCF-style: chr2-25245267-A-C. GRCh37 (hg19) VCF-style: chr2-25468136-A-C.
Other names: c.1084T>G, p.Cys362Gly (NM_001320893.1); c.871T>G, p.Cys291Gly (NM_001375819.1); c.973T>G, p.Cys325Gly (NM_153759.3); c.1540T>G, p.Cys514Gly (NM_175629.2); short protein forms C325G, C362G, C514G, C291G.
Identifiers: ClinVar variation 4617754 (VCV004617754.1).

ClinVar aggregate classification (germline): Uncertain significance (1 of 4 stars; one submission).

Conditions:
Inborn genetic diseases. Identifiers: MedGen C0950123, MeSH D030342.

Submission:

Ambry Genetics
Classification: Uncertain significance for Inborn genetic diseases. Last evaluated: 2025-10-07. Review status: criteria provided, single submitter. Criteria: Ambry Variant Classification Scheme 2023. Collection method: clinical testing. Allele origin: germline.
Comment: The p.C514G variant (also known as c.1540T>G), located in coding exon 12 of the DNMT3A gene, results from a T to G substitution at nucleotide position 1540. The cysteine at codon 514 is replaced by glycine, an amino acid with highly dissimilar properties. This amino acid position is conserved. In addition, this alteration is predicted to be deleterious by in silico analysis. Based on the available evidence, the clinical significance of this variant remains unclear.